The following is an entry in ClinVar:

ClinVar aggregate classification (germline): Likely benign (1 of 4 stars; one submission).

Conditions:
COL1A1-related disorder. Also called: COL1A1- related disease; COL1A1-related condition.

gnomAD v4.1: 11 of 1,607,878 alleles (0.00068%); highest among the groups gnomAD compares: Middle Eastern, 0.017%; no homozygotes.

Submission:

PreventionGenetics, part of Exact Sciences
Classification: Likely benign for COL1A1-related condition. Last evaluated: 2025-09-16. Review status: criteria provided, single submitter. Criteria: ACMG Guidelines, 2015. Collection method: clinical testing. Allele origin: germline.
Comment: This variant is classified as likely benign based on ACMG/AMP sequence variant interpretation guidelines (Richards et al. 2015 PMID: 25741868, with internal and published modifications).

NM_000088.4(COL1A1):c.4006-38A>G

Gene: COL1A1 (collagen type I alpha 1 chain; minus strand). Cytogenetic location: 17q21.33.
Variant type: single nucleotide variant.
Coding change: c.4006-38A>G on transcript NM_000088.4 (MANE Select); 38 bases into the intron before coding-DNA position 4006, A replaced by G.
Molecular consequence: intron variant.
Genome position (GRCh38, 1-based): chr17:50,186,058, T>C on the plus strand (A>G on the coding strand, the complement: COL1A1 is on the minus strand). VCF-style: chr17-50186058-T-C. GRCh37 (hg19) VCF-style: chr17-48263419-T-C.
Identifiers: ClinVar variation 4980695 (VCV004980695.1).